The following is an entry in ClinVar:

NM_000038.6(APC):c.1557_1561del (p.Cys520fs)

Gene: APC (APC regulator of Wnt signaling pathway; plus strand). Cytogenetic location: 5q22.2.
Variant type: Deletion.
Coding change: c.1557_1561del on transcript NM_000038.6 (MANE Select); coding-DNA positions 1557 to 1561, 5 bases deleted (ATGCT; older notation c.1557_1561delATGCT).
Protein change: p.Cys520fs; shifts the reading frame from cysteine 520.
Molecular consequence: frameshift variant.
Genome position (GRCh38, 1-based): chr5:112,827,937-112,827,941, ATGCT deleted; deleting any 5 consecutive bases within chr5:112,827,934-112,827,941 gives the same sequence; the c. name uses the placement nearest the transcript's 3' end. VCF-style (leftmost placement, unchanged base first): chr5-112827933-CGCTAT-C. GRCh37 (hg19) VCF-style: chr5-112163630-CGCTAT-C.
Other names: c.1557_1561del, p.Cys520fs (NM_001127510.3, NM_001354895.2); c.1503_1507del, p.Cys502fs (NM_001127511.3); c.1611_1615del, p.Cys538fs (NM_001354896.2); c.1587_1591del, p.Cys530fs (NM_001354897.2); c.1482_1486del, p.Cys495fs (NM_001354898.2); c.1473_1477del, p.Cys492fs (NM_001354899.2); c.1434_1438del, p.Cys479fs (NM_001354900.2); c.1380_1384del, p.Cys461fs (NM_001354901.2); and 5 more; short protein forms C360fs, C461fs, C492fs, C538fs, C429fs, C520fs, C237fs, C394fs.
Identifiers: ClinVar variation 1403654 (VCV001403654.6), dbSNP rs2149813186, ClinGen allele CA2573138846.

ClinVar aggregate classification (germline): Pathogenic (1 of 4 stars; one submission).

Conditions:
Familial adenomatous polyposis 1 (FAP1). Also called: POLYPOSIS, ADENOMATOUS INTESTINAL; FAMILIAL ADENOMATOUS POLYPOSIS 1, ATTENUATED. Identifiers: MedGen C2713442, MONDO:0021056, OMIM 175100. Disease mechanism: loss of function.

Submission:

Labcorp Genetics (formerly Invitae), Labcorp
Classification: Pathogenic for Familial adenomatous polyposis 1. Last evaluated: 2021-08-12. Review status: criteria provided, single submitter. Criteria: Invitae Variant Classification Sherloc (09022015). Collection method: clinical testing. Allele origin: germline.
Comment: This sequence change creates a premature translational stop signal (p.Cys520Tyrfs*15) in the APC gene. It is expected to result in an absent or disrupted protein product. Loss-of-function variants in APC are known to be pathogenic (PMID: 17963004, 20685668). This variant is not present in population databases (ExAC no frequency). This premature translational stop signal has been observed in individual(s) with familial adenomatous polyposis (PMID: 20434453). For these reasons, this variant has been classified as Pathogenic.

Literature cited by the submitters: PubMed 17963004; PubMed 20685668; PubMed 20434453.